The following is an entry in ClinVar:

ClinVar aggregate classification (germline): Uncertain significance. Review status: criteria provided, multiple submitters, no conflicts (2 of 4 stars). 2 submissions from 2 submitters: Uncertain significance (2). Last evaluated 2026-03-11.

Conditions:
Nemaline myopathy 2 (NEM2). Also called: Nemaline myopathy 2, autosomal recessive. Identifiers: MedGen C1850569, MONDO:0009725, OMIM 256030.
Inborn genetic diseases. Identifiers: MedGen C0950123, MeSH D030342.

Allele frequency attached by ClinVar (database versions not stated): gnomAD exomes below 0.00001; gnomAD 0.00001.
gnomAD v4.1: 3 of 1,613,784 alleles (0.00019%); highest among the groups gnomAD compares: South Asian, 0.0011%; no homozygotes.

Submissions (2):

Ambry Genetics
Classification: Uncertain significance for Inborn genetic diseases. Last evaluated: 2026-03-11. Review status: criteria provided, single submitter. Criteria: Ambry Variant Classification Scheme 2023. Collection method: clinical testing. Allele origin: germline.

Labcorp Genetics (formerly Invitae), Labcorp
Classification: Uncertain significance for Nemaline myopathy 2. Last evaluated: 2021-09-24. Review status: criteria provided, single submitter. Criteria: Invitae Variant Classification Sherloc (09022015). Collection method: clinical testing. Allele origin: germline.
Comment: This sequence change replaces aspartic acid with valine at codon 151 of the NEB protein (p.Asp151Val). The aspartic acid residue is highly conserved and there is a large physicochemical difference between aspartic acid and valine. This variant is not present in population databases (ExAC no frequency). This variant has not been reported in the literature in individuals with NEB-related conditions. Algorithms developed to predict the effect of missense changes on protein structure and function are either unavailable or do not agree on the potential impact of this missense change (SIFT: "Deleterious"; PolyPhen-2: "Not Available"; Align-GVGD: "Class C35"). In summary, the available evidence is currently insufficient to determine the role of this variant in disease. Therefore, it has been classified as a Variant of Uncertain Significance.

NM_001164508.2(NEB):c.452A>T (p.Asp151Val)

Gene: NEB (nebulin; minus strand). Cytogenetic location: 2q23.3.
Variant type: single nucleotide variant.
Coding change: c.452A>T on transcript NM_001164508.2 (MANE Select); coding-DNA position 452, A replaced by T.
Protein change: p.Asp151Val; replaces aspartic acid 151 with valine.
Molecular consequence: missense variant.
Genome position (GRCh38, 1-based): chr2:151,724,912, T>A on the plus strand (A>T on the coding strand, the complement: NEB is on the minus strand). VCF-style: chr2-151724912-T-A. GRCh37 (hg19) VCF-style: chr2-152581426-T-A.
Other names: c.452A>T, p.Asp151Val (NM_001164507.2, NM_001271208.2, NM_004543.5); c.452A>T (NM_004543.4); short protein forms D151V.
Identifiers: ClinVar variation 1405985 (VCV001405985.6), dbSNP rs2099785772, ClinGen allele CA348792768.